The following is an entry in ClinVar:

ClinVar aggregate classification (germline): Uncertain significance (0 of 4 stars; one submission).

Conditions:
PCNT-related disorder. Also called: PCNT-related condition.

gnomAD v4.1: 7 of 1,614,064 alleles (0.00043%); highest among the groups gnomAD compares: Admixed American, 0.0017%; no homozygotes.

Submission:

PreventionGenetics, part of Exact Sciences
Classification: Uncertain significance for PCNT-related condition. Last evaluated: 2024-08-05. Review status: no assertion criteria provided. Collection method: clinical testing. Allele origin: germline.
Comment: The PCNT c.3799G>A variant is predicted to result in the amino acid substitution p.Val1267Met. To our knowledge, this variant has not been reported in the literature or in a large population database, indicating this variant is rare. At this time, the clinical significance of this variant is uncertain due to the absence of conclusive functional and genetic evidence.

NM_006031.6(PCNT):c.3799G>A (p.Val1267Met)

Gene: PCNT (pericentrin; plus strand). Cytogenetic location: 21q22.3.
Variant type: single nucleotide variant.
Coding change: c.3799G>A on transcript NM_006031.6 (MANE Select); coding-DNA position 3799, G replaced by A.
Protein change: p.Val1267Met; replaces valine 1267 with methionine.
Molecular consequence: missense variant.
Genome position (GRCh38, 1-based): chr21:46,389,390, G>A. VCF-style: chr21-46389390-G-A. GRCh37 (hg19) VCF-style: chr21-47809305-G-A.
Other names: c.3445G>A, p.Val1149Met (NM_001315529.2); short protein forms V1149M, V1267M.
Identifiers: ClinVar variation 3357804 (VCV003357804.1).
Genomic context (GRCh38, chr21:46,389,390, plus strand): 5'-GAAAGTGTGCGGGAGTGTGAGCAGCCCATCCGGAGGGTCTTCCAGAGCCTCAGCCTGGCC[G>A]TGGACGGCCTCATGGAGATGGCCCTGGACTCCAGCAGGCAGGTGAGGCCCAGGCTCCCGG-3'
Protein context (NP_006022.3, residues 1257-1277): RRVFQSLSLA[Val1267Met]DGLMEMALDS